The following is an entry in ClinVar:

NM_001040142.2(SCN2A):c.3551_3558del (p.Ile1184fs)

Gene: SCN2A (sodium voltage-gated channel alpha subunit 2; plus strand). Cytogenetic location: 2q24.3.
Variant type: Deletion.
Coding change: c.3551_3558del on transcript NM_001040142.2 (MANE Select); coding-DNA positions 3551 to 3558, 8 bases deleted (TAAGCATA; older notation c.3551_3558delTAAGCATA).
Protein change: p.Ile1184fs; shifts the reading frame from isoleucine 1184.
Molecular consequence: frameshift variant.
Genome position (GRCh38, 1-based): chr2:165,367,247-165,367,254, TAAGCATA deleted; deleting any 8 consecutive bases within chr2:165,367,246-165,367,254 gives the same sequence; the c. name uses the placement nearest the transcript's 3' end. VCF-style (leftmost placement, unchanged base first): chr2-165367245-GATAAGCAT-G. GRCh37 (hg19) VCF-style: chr2-166223755-GATAAGCAT-G.
Other names: c.3551_3558del, p.Ile1184fs (NM_001040143.2, NM_001371246.1, NM_001371247.1 and 1 more transcripts); short protein forms I1184fs.
Identifiers: ClinVar variation 2951784 (VCV002951784.3), dbSNP rs2468070154, ClinGen allele CA2740095787.
Genomic context (GRCh38, chr2:165,367,245, plus strand): 5'-TTTTGTCTTCATTTTTTTCCCACATATTTTAGACTGTGTACGGAAGTTCAAGTGTTGTCA[GATAAGCAT>G]AGAAGAAGGCAAAGGGAAACTCTGGTGGAATTTGAGGAAAACATGCTATAAGATAGTGGA-3'

ClinVar aggregate classification (germline): Pathogenic (1 of 4 stars; one submission).

Conditions:
Developmental and epileptic encephalopathy, 11 (DEE11). Also called: Early infantile epileptic encephalopathy 11. Identifiers: Orphanet 1934, MedGen C3150987, MONDO:0013388, OMIM 613721.
Seizures, benign familial infantile, 3 (BFIS3). Also called: Familial neonatal seizures; CONVULSIONS, BENIGN FAMILIAL INFANTILE, 3. Identifiers: Orphanet 140927, Orphanet 306, MedGen C1843140, MONDO:0011904, OMIM 607745.

Submission:

Labcorp Genetics (formerly Invitae), Labcorp
Classification: Pathogenic for Seizures, benign familial infantile, 3; Developmental and epileptic encephalopathy, 11. Last evaluated: 2023-09-10. Review status: criteria provided, single submitter. Criteria: Invitae Variant Classification Sherloc (09022015). Collection method: clinical testing. Allele origin: germline.
Comment: For these reasons, this variant has been classified as Pathogenic. This sequence change creates a premature translational stop signal (p.Ile1184Argfs*17) in the SCN2A gene. It is expected to result in an absent or disrupted protein product. Loss-of-function variants in SCN2A are known to be pathogenic (PMID: 28379373). This variant is not present in population databases (gnomAD no frequency). This variant has not been reported in the literature in individuals affected with SCN2A-related conditions.

Literature cited by the submitters: PubMed 28379373.